The following is an entry in ClinVar:

NM_001160372.4(TRAPPC9):c.2811-22000G>A

Genes: C8orf17 (chromosome 8 putative open reading frame 17; plus strand), TRAPPC9 (trafficking protein particle complex subunit 9; minus strand). Cytogenetic location: 8q24.3.
Variant type: single nucleotide variant.
Coding change: c.2811-22000G>A on transcript NM_001160372.4 (MANE Select); 22000 bases into the intron before coding-DNA position 2811, G replaced by A.
Molecular consequence: intron variant. On other transcripts: non-coding transcript variant (1).
Genome position (GRCh38, 1-based): chr8:139,932,300, C>T on the plus strand (G>A on the coding strand, the complement: TRAPPC9 is on the minus strand). VCF-style: chr8-139932300-C-T. GRCh37 (hg19) VCF-style: chr8-140944544-C-T.
Other names: c.2811-22000G>A (NM_031466.8); c.2784-22000G>A (NM_001321646.2); c.2667-22000G>A (NM_001374684.1); c.2700-22000G>A (NM_001374683.1); c.2832-22000G>A (NM_001374682.1).
Identifiers: ClinVar variation 4872392 (VCV004872392.2).
Genomic context (GRCh38, chr8:139,932,300, plus strand): 5'-AGCCGAGGGAGTCCCGCACCACGGGGCCTCGCTCAGGGTAGCCACCATGGGAGAATGTCC[C>T]CACCTCGTGGATGTCAGGCTTGGCCACAGGTCCTTGGCCACGGGACCTGAGCAGAGTGAC-3'

ClinVar aggregate classification (germline): Benign (1 of 4 stars; one submission).

gnomAD v4.1: 984 of 457,712 alleles (0.21%); highest among the groups gnomAD compares: South Asian, 1.5%; 10 homozygotes.

Submission:

CeGaT Center for Human Genetics Tuebingen
Classification: Benign. Last evaluated: 2026-09-01. Review status: criteria provided, single submitter. Criteria: CeGaT Center For Human Genetics Tuebingen Variant Classification Criteria Version 2. Collection method: clinical testing. Allele origin: germline. Affected: yes. Observed: 2 variant alleles.
Comment: C8orf17: BS1, BS2